The following is an entry in ClinVar:

ClinVar aggregate classification (germline): Pathogenic (1 of 4 stars; one submission).

Conditions:
Methylmalonic aciduria, cblA type (MACA). Also called: Methylmalonic aciduria, vitamin b12-responsive, due to defect in synthesis of adenosylcobalamin, cbla complementation type; MMA cbl A type; Methylmalonic acidemia cblA type; Methylmalonic aciduria, vitamin B12-responsive; Vitamin B12-responsive methylmalonic acidemia type cblA. Identifiers: Orphanet 28, Orphanet 79310, MedGen C1855109, MONDO:0009613, OMIM 251100.

Submission:

Labcorp Genetics (formerly Invitae), Labcorp
Classification: Pathogenic for Methylmalonic aciduria, cblA type. Last evaluated: 2019-12-11. Review status: criteria provided, single submitter. Criteria: Invitae Variant Classification Sherloc (09022015). Collection method: clinical testing. Allele origin: germline.
Comment: This sequence change creates a premature translational stop signal (p.Asp255*) in the MMAA gene. It is expected to result in an absent or disrupted protein product. This variant is not present in population databases (ExAC no frequency). This variant has not been reported in the literature in individuals with MMAA-related conditions. Loss-of-function variants in MMAA are known to be pathogenic (PMID: 15523652, 15781192). For these reasons, this variant has been classified as Pathogenic.

Literature cited by the submitters: PubMed 15523652; PubMed 15781192.

NM_172250.3(MMAA):c.762dup (p.Asp255Ter)

Gene: MMAA (metabolism of cobalamin associated A; plus strand). Cytogenetic location: 4q31.21.
Variant type: Duplication.
Coding change: c.762dup on transcript NM_172250.3 (MANE Select); coding-DNA position 762, one base duplicated (T; older notation c.762dupT).
Protein change: p.Asp255Ter; replaces aspartic acid 255 with a stop codon.
Molecular consequence: nonsense.
Genome position (GRCh38, 1-based): chr4:145,651,090, T duplicated. VCF-style (leftmost placement, unchanged base first): chr4-145651089-C-CT. GRCh37 (hg19) VCF-style: chr4-146572241-C-CT.
Other names: c.762dup, p.Asp255Ter (NM_001375644.1); short protein forms D255*.
Identifiers: ClinVar variation 849500 (VCV000849500.7), dbSNP rs1728076151, ClinGen allele CA916082660.